The following is an entry in ClinVar:

NM_001349253.2(SCN11A):c.5070C>T (p.Thr1690=)

Gene: SCN11A (sodium voltage-gated channel alpha subunit 11; minus strand). Cytogenetic location: 3p22.2.
Variant type: single nucleotide variant.
Coding change: c.5070C>T on transcript NM_001349253.2 (MANE Select); coding-DNA position 5070, C replaced by T.
Protein change: p.Thr1690=; no amino-acid change (threonine 1690 retained).
Molecular consequence: synonymous variant.
Genome position (GRCh38, 1-based): chr3:38,847,000, G>A on the plus strand (C>T on the coding strand, the complement: SCN11A is on the minus strand). VCF-style: chr3-38847000-G-A. GRCh37 (hg19) VCF-style: chr3-38888491-G-A.
Other names: c.5070C>T (NM_014139.2); c.5070C>T, p.Thr1690= (NM_014139.3).
Identifiers: ClinVar variation 1113093 (VCV001113093.8), dbSNP rs752526730, ClinGen allele CA2321406.

ClinVar aggregate classification (germline): Likely benign. Review status: criteria provided, multiple submitters, no conflicts (2 of 4 stars). 2 submissions from 2 submitters: Likely benign (2). Last evaluated 2025-07-03.

Conditions:
Hereditary sensory and autonomic neuropathy type 7. Also called: Neuropathy, hereditary sensory and autonomic, type VII; HSAN VII. Identifiers: Orphanet 391397, MedGen C3809882, MONDO:0014244, OMIM 615548.
Familial episodic pain syndrome with predominantly lower limb involvement. Also called: Episodic pain syndrome, familial, 3. Identifiers: Orphanet 391384, Orphanet 391392, MedGen C3809899, MONDO:0014247, OMIM 615552.
SCN11A-related disorder. Also called: SCN11A-related condition.

Allele frequency attached by ClinVar (database versions not stated): gnomAD exomes 0.00001 and 0.00002; ExAC 0.00002; TOPMed 0.00002; gnomAD 0.00003.
gnomAD v4.1: 17 of 1,613,938 alleles (0.0011%); highest among the groups gnomAD compares: African/African-American, 0.0093%; no homozygotes.

Submissions (2):

PreventionGenetics, part of Exact Sciences
Classification: Likely benign for SCN11A-related condition. Last evaluated: 2025-07-03. Review status: criteria provided, single submitter. Criteria: ACMG Guidelines, 2015. Collection method: clinical testing. Allele origin: germline.
Comment: This variant is classified as likely benign based on ACMG/AMP sequence variant interpretation guidelines (Richards et al. 2015 PMID: 25741868, with internal and published modifications).

Labcorp Genetics (formerly Invitae), Labcorp
Classification: Likely benign for Familial episodic pain syndrome with predominantly lower limb involvement; Hereditary sensory and autonomic neuropathy type 7. Last evaluated: 2024-08-06. Review status: criteria provided, single submitter. Criteria: Invitae Variant Classification Sherloc (09022015). Collection method: clinical testing. Allele origin: germline.